The following is an entry in ClinVar:

NM_001378418.1(TCF20):c.2388del (p.Asn796fs)

Gene: TCF20 (transcription factor 20; minus strand). Cytogenetic location: 22q13.2.
Variant type: Deletion.
Coding change: c.2388del on transcript NM_001378418.1 (MANE Select); coding-DNA position 2388, one base deleted (T; older notation c.2388delT).
Protein change: p.Asn796fs; shifts the reading frame from asparagine 796.
Molecular consequence: frameshift variant.
Genome position (GRCh38, 1-based): chr22:42,212,918, A deleted on the plus strand (T on the coding strand, the reverse complement: TCF20 is on the minus strand). VCF-style (leftmost placement, unchanged base first): chr22-42212917-CA-C. GRCh37 (hg19) VCF-style: chr22-42608923-CA-C.
Other names: c.2388delT (NM_005650.4); c.2388del, p.Asn796fs (NM_005650.4, NM_181492.3); short protein forms N796fs.
Identifiers: ClinVar variation 4537006 (VCV004537006.1).

ClinVar aggregate classification (germline): Pathogenic (1 of 4 stars; one submission).

Conditions:
Developmental delay with variable intellectual impairment and behavioral abnormalities. Identifiers: MedGen C5193092, MONDO:0032745, OMIM 618430.

Submission:

Women's Health and Genetics/Laboratory Corporation of America, LabCorp
Classification: Pathogenic for Developmental delay with variable intellectual impairment and behavioral abnormalities. Last evaluated: 2025-11-06. Review status: criteria provided, single submitter. Criteria: LabCorp Variant Classification Summary - May 2015. Collection method: clinical testing. Allele origin: germline.
Comment: Variant summary: TCF20 c.2388delT (p.Asn796LysfsX3) results in a premature termination codon, predicted to cause a truncation of the encoded protein or absence of the protein due to nonsense mediated decay, which are commonly known mechanisms for disease. The variant was absent in 251432 control chromosomes (gnomAD). To our knowledge, no occurrence of c.2388delT in individuals affected with TCF20-related conditions and no experimental evidence demonstrating its impact on protein function have been reported. No submitters have cited clinical-significance assessments for this variant to ClinVar. Based on the evidence outlined above, the variant was classified as pathogenic.